The following is an entry in ClinVar:

NM_000112.4(SLC26A2):c.1660C>T (p.Leu554Phe)

Gene: SLC26A2 (solute carrier family 26 member 2; plus strand). Cytogenetic location: 5q32.
Variant type: single nucleotide variant.
Coding change: c.1660C>T on transcript NM_000112.4 (MANE Select); coding-DNA position 1660, C replaced by T.
Protein change: p.Leu554Phe; replaces leucine 554 with phenylalanine.
Molecular consequence: missense variant.
Genome position (GRCh38, 1-based): chr5:149,981,253, C>T. VCF-style: chr5-149981253-C-T. GRCh37 (hg19) VCF-style: chr5-149360816-C-T.
Other names: short protein forms L554F.
Identifiers: ClinVar variation 3891295 (VCV003891295.1).

ClinVar aggregate classification (germline): Uncertain significance (1 of 4 stars; one submission).

Conditions:
Diastrophic dysplasia (DTD). Also called: Diastrophic dwarfism. Identifiers: Orphanet 628, MedGen C0220726, MONDO:0009107, OMIM 222600.

gnomAD v4.1: 3 of 1,614,130 alleles (0.00019%); highest among the groups gnomAD compares: Middle Eastern, 0.017%; no homozygotes.

Submission:

Medical Molecular Genetics Department, National Research Center
Classification: Uncertain significance for Diastrophic dysplasia. Review status: criteria provided, single submitter. Criteria: ACMG Guidelines, 2015. Collection method: research. Allele origin: germline. Inheritance: Autosomal recessive inheritance. Affected: yes.
Comment: The substitution of Leucine amino acid with Phenylalanine, the latter being a larger-sized amino acid, would disrupt the structure of the STAS domain. The c.1660C>T; p.Leu554Phe variant is of low frequency in gnomAD (0.0002%) and of high pathogenicity score using aggregated prediction tools (0.7). The variant is classified as VUS (PM2, PP3).

Literature cited by the submitters: PubMed 34064542.